The following is an entry in ClinVar:

ClinVar aggregate classification (germline): Pathogenic. Review status: criteria provided, multiple submitters, no conflicts (2 of 4 stars). 4 submissions from 4 submitters: Pathogenic (3). 1 of the submissions does not count toward it. Last evaluated 2026-09-17.

Conditions:
Metachromatic leukodystrophy (MLD). Also called: Cerebral sclerosis diffuse metachromatic form; ARSA DEFICIENCY; CEREBROSIDE SULFATASE DEFICIENCY; Arylsulfatase A Deficiency; SULFATIDE LIPIDOSIS; METACHROMATIC LEUKOENCEPHALOPATHY. Identifiers: Orphanet 512, MedGen C0023522, MONDO:0018868, OMIM 250100.

gnomAD v4.1: 2 of 1,611,904 alleles (0.00012%); highest among the groups gnomAD compares: Non-Finnish European, 0.00017%; no homozygotes.

Submissions (4):

Laboratory of Experimental Gene Therapy of Hereditary Metabolic Diseases, Research Centre for Medical Genetics
Classification: Pathogenic for Metachromatic leukodystrophy. Last evaluated: 2026-09-17. Review status: criteria provided, single submitter. Criteria: ARSA MLD Assertion Criteria V2 2026 09 18. Collection method: clinical testing. Allele origin: germline. Inheritance: Autosomal recessive inheritance. Affected: yes. Observed: 1 variant allele, 1 compound heterozygote.
Comment: The previously reported Pathogenic classification was reviewed and retained for the accompanying study. External ClinVar record reviewed: VCV000068131.10. Observations from the present referral series were not used to establish pathogenicity.

Labcorp Genetics (formerly Invitae), Labcorp
Classification: Pathogenic for Metachromatic leukodystrophy. Last evaluated: 2024-10-08. Review status: criteria provided, single submitter. Criteria: Invitae Variant Classification Sherloc (09022015). Collection method: clinical testing. Allele origin: germline.
Comment: This sequence change replaces proline, which is neutral and non-polar, with serine, which is neutral and polar, at codon 138 of the ARSA protein (p.Pro138Ser). This variant is present in population databases (rs60504011, gnomAD 0.002%). This missense change has been observed in individual(s) with metachromatic leukodystrophy (PMID: 10477432). In at least one individual the data is consistent with being in trans (on the opposite chromosome) from a pathogenic variant. This variant is also known as P136S. ClinVar contains an entry for this variant (Variation ID: 68131). Invitae Evidence Modeling of protein sequence and biophysical properties (such as structural, functional, and spatial information, amino acid conservation, physicochemical variation, residue mobility, and thermodynamic stability) indicates that this missense variant is expected to disrupt ARSA protein function with a positive predictive value of 95%. This variant disrupts the p.Pro138 amino acid residue in ARSA. Other variant(s) that disrupt this residue have been determined to be pathogenic (PMID: 7860068, 22854541). This suggests that this residue is clinically significant, and that variants that disrupt this residue are likely to be disease-causing. For these reasons, this variant has been classified as Pathogenic.

GeneDx
Classification: Pathogenic. Last evaluated: 2024-06-10. Review status: criteria provided, single submitter. Criteria: GeneDx Variant Classification Process June 2021. Collection method: clinical testing. Allele origin: germline. Affected: yes.
Comment: Published functional studies demonstrate a damaging effect on ARSA enzyme activity (PMID: 10477432); Not observed at significant frequency in large population cohorts (gnomAD); In silico analysis supports that this missense variant has a deleterious effect on protein structure/function; This variant is associated with the following publications: (PMID: 22854541, 10477432, 37480112)

UniProtKB/Swiss-Prot
No classification provided. Review status: no classification provided. Collection method: not provided. Allele origin: not provided. Not counted in ClinVar's aggregate classification.

Literature cited by the submitters: PubMed 10477432 (cited by Labcorp Genetics (formerly Invitae), Labcorp); PubMed 7860068 (cited by Labcorp Genetics (formerly Invitae), Labcorp); PubMed 22854541 (cited by Labcorp Genetics (formerly Invitae), Labcorp).

NM_000487.6(ARSA):c.412C>T (p.Pro138Ser)

Gene: ARSA (arylsulfatase A; minus strand). Cytogenetic location: 22q13.33.
Variant type: single nucleotide variant.
Coding change: c.412C>T on transcript NM_000487.6 (MANE Select); coding-DNA position 412, C replaced by T.
Protein change: p.Pro138Ser; replaces proline 138 with serine.
Molecular consequence: missense variant.
Genome position (GRCh38, 1-based): chr22:50,627,219, G>A on the plus strand (C>T on the coding strand, the complement: ARSA is on the minus strand). VCF-style: chr22-50627219-G-A. GRCh37 (hg19) VCF-style: chr22-51065647-G-A.
Other names: NP_000478.3:p.(Pro138Ser); c.412C>T, p.Pro138Ser (NM_001085425.3, NM_001085426.3, NM_001085427.3); c.154C>T, p.Pro52Ser (NM_001085428.3, NM_001362782.2); short protein forms P138S, P52S.
Identifiers: ClinVar variation 68131 (VCV000068131.11), dbSNP rs60504011, ClinGen allele CA219018.